The following is an entry in ClinVar:

NM_015629.4(PRPF31):c.*154C>T

Gene: PRPF31 (pre-mRNA processing factor 31; plus strand). Cytogenetic location: 19q13.42.
Variant type: single nucleotide variant.
Coding change: c.*154C>T on transcript NM_015629.4 (MANE Select); 154 bases downstream of the stop codon, C replaced by T.
Molecular consequence: 3 prime UTR variant.
Genome position (GRCh38, 1-based): chr19:54,131,586, C>T. VCF-style: chr19-54131586-C-T. GRCh37 (hg19) VCF-style: chr19-54635017-C-T.
Identifiers: ClinVar variation 330116 (VCV000330116.5), dbSNP rs141548037, ClinGen allele CA407757324.

ClinVar aggregate classification (germline): Likely benign (1 of 4 stars; one submission).

Conditions:
Retinitis pigmentosa (RP). Identifiers: Orphanet 791, MedGen C0035334, MeSH D012174, MONDO:0019200, OMIM 268000. Inheritance: Autosomal dominant, autosomal recessive and X linked inheritance.

Allele frequency attached by ClinVar (database versions not stated): gnomAD exomes 0.00021; gnomAD 0.00218 and 0.00234; 1000 Genomes Project 0.00220; TOPMed 0.00230; 1000 Genomes Project 30x 0.00250.
gnomAD v4.1: 564 of 1,183,226 alleles (0.048%); highest among the groups gnomAD compares: African/African-American, 0.79%; 1 homozygote.

Submission:

Illumina Laboratory Services, Illumina
Classification: Likely benign for Retinitis pigmentosa. Last evaluated: 2018-01-12. Review status: criteria provided, single submitter. Criteria: ICSL Variant Classification Criteria 13 December 2019. Collection method: clinical testing. Allele origin: germline.
Comment: This variant was observed in the ICSL laboratory as part of a predisposition screen in an ostensibly healthy population. It had not been previously curated by ICSL or reported in the Human Gene Mutation Database (HGMD: prior to June 1st, 2018), and was therefore a candidate for classification through an automated scoring system. Utilizing variant allele frequency, disease prevalence and penetrance estimates, and inheritance mode, an automated score was calculated to assess if this variant is too frequent to cause the disease. Based on the score and internal cut-off values, a variant classified as likely benign is not then subjected to further curation. The score for this variant resulted in a classification of likely benign for this disease.